The following is an entry in ClinVar:

ClinVar aggregate classification (germline): Uncertain significance. Review status: criteria provided, multiple submitters, no conflicts (2 of 4 stars). 2 submissions from 2 submitters: Uncertain significance (2). Last evaluated 2024-04-08.

Conditions:
RYR1-related disorder. Also called: RYR1-related condition; RYR1-related disorders. Identifiers: MedGen CN239331.
Malignant hyperthermia, susceptibility to, 1 (MHS1). Also called: Anesthesia related hyperthermia; Malignant hyperpyrexia; Fulminating hyperpyrexia; Pharmacogenic myopathy; RYR1-Related Malignant Hyperthermia Susceptibility; Malignant hyperthermia suceptibility 1. Identifiers: Orphanet 423, MedGen C2930980, MONDO:0007783, OMIM 145600.

Submissions (2):

Labcorp Genetics (formerly Invitae), Labcorp
Classification: Uncertain significance for RYR1-related disorder. Last evaluated: 2024-04-08. Review status: criteria provided, single submitter. Criteria: Invitae Variant Classification Sherloc (09022015). Collection method: clinical testing. Allele origin: germline.
Comment: This sequence change replaces glutamic acid, which is acidic and polar, with alanine, which is neutral and non-polar, at codon 2925 of the RYR1 protein (p.Glu2925Ala). This variant is not present in population databases (gnomAD no frequency). This variant has not been reported in the literature in individuals affected with RYR1-related conditions. Advanced modeling of protein sequence and biophysical properties (such as structural, functional, and spatial information, amino acid conservation, physicochemical variation, residue mobility, and thermodynamic stability) performed at Invitae indicates that this missense variant is expected to disrupt RYR1 protein function with a positive predictive value of 80%. In summary, the available evidence is currently insufficient to determine the role of this variant in disease. Therefore, it has been classified as a Variant of Uncertain Significance.

Color Diagnostics, LLC DBA Color Health
Classification: Uncertain significance for Malignant hyperthermia, susceptibility to, 1. Last evaluated: 2023-09-20. Review status: criteria provided, single submitter. Criteria: ACMG Guidelines, 2015. Collection method: clinical testing. Allele origin: germline.
Comment: This missense variant replaces glutamic acid with alanine at codon 2925 of the RYR1 protein. Computational prediction suggests that this variant may have deleterious impact on protein structure and function. To our knowledge, functional studies have not been reported for this variant. This variant has not been reported in individuals affected with RYR1-related disorders in the literature. This variant has not been identified in the general population by the Genome Aggregation Database (gnomAD). The available evidence is insufficient to determine the role of this variant in disease conclusively. Therefore, this variant is classified as a Variant of Uncertain Significance.

NM_000540.3(RYR1):c.8774A>C (p.Glu2925Ala)

Gene: RYR1 (ryanodine receptor 1; plus strand). Cytogenetic location: 19q13.2.
Variant type: single nucleotide variant.
Coding change: c.8774A>C on transcript NM_000540.3 (MANE Select); coding-DNA position 8774, A replaced by C.
Protein change: p.Glu2925Ala; replaces glutamic acid 2925 with alanine.
Molecular consequence: missense variant.
Genome position (GRCh38, 1-based): chr19:38,506,910, A>C. VCF-style: chr19-38506910-A-C. GRCh37 (hg19) VCF-style: chr19-38997550-A-C.
Other names: c.8774A>C, p.Glu2925Ala (NM_001042723.2); short protein forms E2925A.
Identifiers: ClinVar variation 3674850 (VCV003674850.3).